The following is an entry in ClinVar:

NM_000548.5(TSC2):c.5109G>A (p.Val1703=)

Gene: TSC2 (TSC complex subunit 2; plus strand). Cytogenetic location: 16p13.3.
Variant type: single nucleotide variant.
Coding change: c.5109G>A on transcript NM_000548.5 (MANE Select); coding-DNA position 5109, G replaced by A.
Protein change: p.Val1703=; no amino-acid change (valine 1703 retained).
Molecular consequence: synonymous variant.
Genome position (GRCh38, 1-based): chr16:2,088,088, G>A. VCF-style: chr16-2088088-G-A. GRCh37 (hg19) VCF-style: chr16-2138089-G-A.
Other names: c.4908G>A, p.Val1636= (NM_001077183.3); c.5040G>A, p.Val1680= (NM_001114382.3); c.4800G>A, p.Val1600= (NM_001318827.2); c.4764G>A, p.Val1588= (NM_001318829.2); c.4377G>A, p.Val1459= (NM_001318831.2); c.4941G>A, p.Val1647= (NM_001318832.2); c.4911G>A, p.Val1637= (NM_001363528.2); c.4977G>A, p.Val1659= (NM_001370404.1); and 2 more.
Identifiers: ClinVar variation 705529 (VCV000705529.17), dbSNP rs770413433, ClinGen allele CA276758905.

ClinVar aggregate classification (germline): Benign/Likely benign. Review status: criteria provided, multiple submitters, no conflicts (2 of 4 stars). 6 submissions from 6 submitters: Benign (1); Likely benign (4). 1 of the submissions does not count toward it. Last evaluated 2025-06-06.

Conditions:
Hereditary cancer-predisposing syndrome. Also called: Tumor predisposition; Hereditary neoplastic syndrome; Neoplastic Syndromes, Hereditary; Hereditary Cancer Syndrome. Identifiers: Orphanet 140162, MedGen C0027672, MeSH D009386, MONDO:0015356.
Tuberous sclerosis syndrome (TSC). Also called: Tuberous Sclerosis Complex; Tuberous sclerosis. Identifiers: Orphanet 805, MedGen C0041341, MONDO:0001734.
Tuberous sclerosis 2 (TSC2). Identifiers: Orphanet 805, MedGen C1860707, MONDO:0013199, OMIM 613254.
TSC2-related disorder. Also called: TSC2-related condition; TSC2-Related Disorders.

Allele frequency attached by ClinVar (database versions not stated): gnomAD exomes below 0.00001; gnomAD 0.00001; TOPMed 0.00005.

Submissions (6):

Myriad Genetics, Inc.
Classification: Benign for Tuberous sclerosis 2. Last evaluated: 2025-06-06. Review status: criteria provided, single submitter. Criteria: Myriad Autosomal Dominant, Autosomal Recessive and X-Linked Classification Criteria (2023). Collection method: clinical testing. Allele origin: unknown.
Comment: This variant is considered benign. This variant is a silent/synonymous amino acid change and it is not expected to impact splicing.

Labcorp Genetics (formerly Invitae), Labcorp
Classification: Likely benign for Tuberous sclerosis 2. Last evaluated: 2024-05-16. Review status: criteria provided, single submitter. Criteria: Invitae Variant Classification Sherloc (09022015). Collection method: clinical testing. Allele origin: germline.

All of Us Research Program, National Institutes of Health
Classification: Likely benign for Tuberous sclerosis syndrome. Last evaluated: 2023-06-26. Review status: criteria provided, single submitter. Criteria: ACMG Guidelines, 2015. Collection method: clinical testing. Allele origin: germline. Inheritance: Autosomal dominant inheritance. Observed: 1 variant allele, 1 heterozygote.
Comment: This study involves interpretation of variants in research participants for the purpose of population health screening. Participant phenotype was not available at the time of variant classification. Additional details can be found in publication PMID: 35346344, PMCID: PMC8962531

Color Diagnostics, LLC DBA Color Health
Classification: Likely benign for Tuberous sclerosis syndrome. Last evaluated: 2023-06-20. Review status: criteria provided, single submitter. Criteria: ACMG Guidelines, 2015. Collection method: clinical testing. Allele origin: germline.

Ambry Genetics
Classification: Likely benign for Hereditary cancer-predisposing syndrome. Last evaluated: 2020-09-16. Review status: criteria provided, single submitter. Criteria: Ambry Variant Classification Scheme 2023. Collection method: clinical testing. Allele origin: germline.

PreventionGenetics, part of Exact Sciences
Classification: Likely benign for TSC2-related condition. Last evaluated: 2024-01-12. Review status: no assertion criteria provided. Collection method: clinical testing. Allele origin: germline. Not counted in ClinVar's aggregate classification.
Comment: This variant is classified as likely benign based on ACMG/AMP sequence variant interpretation guidelines (Richards et al. 2015 PMID: 25741868, with internal and published modifications).